The following is an entry in ClinVar:

NM_000395.3(CSF2RB):c.1798C>T (p.Arg600Cys)

Gene: CSF2RB (colony stimulating factor 2 receptor subunit beta; plus strand). Cytogenetic location: 22q12.3.
Variant type: single nucleotide variant.
Coding change: c.1798C>T on transcript NM_000395.3 (MANE Select); coding-DNA position 1798, C replaced by T.
Protein change: p.Arg600Cys; replaces arginine 600 with cysteine.
Molecular consequence: missense variant.
Genome position (GRCh38, 1-based): chr22:36,937,606, C>T. VCF-style: chr22-36937606-C-T. GRCh37 (hg19) VCF-style: chr22-37333648-C-T.
Other names: c.1798C>T (NM_000395.2); c.1816C>T, p.Arg606Cys (NM_001410827.1); short protein forms R606C, R600C.
Identifiers: ClinVar variation 1930740 (VCV001930740.6), dbSNP rs368023950, ClinGen allele CA10213981.

ClinVar aggregate classification (germline): Uncertain significance. Review status: criteria provided, multiple submitters, no conflicts (2 of 4 stars). 2 submissions from 2 submitters: Uncertain significance (2). Last evaluated 2024-12-31.

Allele frequency attached by ClinVar (database versions not stated): TOPMed 0.00002; gnomAD 0.00003; ExAC 0.00008; ESP Exome Variant Server 0.00016.
gnomAD v4.1: 62 of 1,580,042 alleles (0.0039%); highest among the groups gnomAD compares: South Asian, 0.0057%; no homozygotes.

Submissions (2):

Labcorp Genetics (formerly Invitae), Labcorp
Classification: Uncertain significance. Last evaluated: 2024-12-31. Review status: criteria provided, single submitter. Criteria: Invitae Variant Classification Sherloc (09022015). Collection method: clinical testing. Allele origin: germline.
Comment: This sequence change replaces arginine, which is basic and polar, with cysteine, which is neutral and slightly polar, at codon 600 of the CSF2RB protein (p.Arg600Cys). This variant is present in population databases (rs368023950, gnomAD 0.01%). This variant has not been reported in the literature in individuals affected with CSF2RB-related conditions. ClinVar contains an entry for this variant (Variation ID: 1930740). Invitae Evidence Modeling of protein sequence and biophysical properties (such as structural, functional, and spatial information, amino acid conservation, physicochemical variation, residue mobility, and thermodynamic stability) indicates that this missense variant is not expected to disrupt CSF2RB protein function with a negative predictive value of 80%. In summary, the available evidence is currently insufficient to determine the role of this variant in disease. Therefore, it has been classified as a Variant of Uncertain Significance.

GeneDx
Classification: Uncertain significance. Last evaluated: 2023-04-10. Review status: criteria provided, single submitter. Criteria: GeneDx Variant Classification Process June 2021. Collection method: clinical testing. Allele origin: germline. Affected: yes.
Comment: Reported in the heterozygous state and described as c.1816 C>T p.Arg606Cys in an individual with atrioventricular nodal reentry tachycardia (Luo et al., 2020); In silico analysis supports that this missense variant does not alter protein structure/function; This variant is associated with the following publications: (PMID: 32508047)